The following is an entry in ClinVar:

ClinVar aggregate classification (germline): Conflicting classifications of pathogenicity. Review status: criteria provided, conflicting classifications (1 of 4 stars). 3 submissions from 3 submitters: Likely pathogenic (1); Uncertain significance (2). Last evaluated 2025-06-17.

Conditions:
SAG-related disorder. Also called: SAG-related condition; SAG-related disorders.

gnomAD v4.1: 2 of 1,605,146 alleles (0.00012%); highest among the groups gnomAD compares: Non-Finnish European, 0.00017%; no homozygotes.

Submissions (3):

Labcorp Genetics (formerly Invitae), Labcorp
Classification: Uncertain significance. Last evaluated: 2025-06-17. Review status: criteria provided, single submitter. Criteria: Invitae Variant Classification Sherloc (09022015). Collection method: clinical testing. Allele origin: germline.
Comment: This sequence change replaces tyrosine, which is neutral and polar, with cysteine, which is neutral and slightly polar, at codon 71 of the SAG protein (p.Tyr71Cys). This variant is not present in population databases (gnomAD no frequency). This missense change has been observed in individual(s) with retinitis pigmentosa (internal data). ClinVar contains an entry for this variant (Variation ID: 962819). Invitae Evidence Modeling of protein sequence and biophysical properties (such as structural, functional, and spatial information, amino acid conservation, physicochemical variation, residue mobility, and thermodynamic stability) indicates that this missense variant is expected to disrupt SAG protein function with a positive predictive value of 80%. In summary, the available evidence is currently insufficient to determine the role of this variant in disease. Therefore, it has been classified as a Variant of Uncertain Significance.

Dasa
Classification: Uncertain significance. Last evaluated: 2025-02-28. Review status: criteria provided, single submitter. Criteria: DASA Assertion Criteria. Collection method: clinical testing. Allele origin: germline.
Comment: NM_000541.5(SAG):c.212A>G (p.Tyr71Cys) is a missense variant that results in the substitution of tyrosine with cysteine. This variant is rare in population databases. Computational prediction algorithms are consistent with a deleterious effect. The currently available literature and clinical evidence are not sufficient to establish a definitive association between this variant and the reported condition. Therefore, this variant is classified as a variant of uncertain significance.

Blueprint Genetics
Classification: Likely pathogenic for SAG-related disorders. Last evaluated: 2022-09-29. Review status: criteria provided, single submitter. Criteria: ACMG Guidelines, 2015. Collection method: clinical testing. Allele origin: germline. Affected: yes. Observed: 5 variant alleles.

NM_000541.5(SAG):c.212A>G (p.Tyr71Cys)

Gene: SAG (S-antigen visual arrestin; plus strand). Cytogenetic location: 2q37.1.
Variant type: single nucleotide variant.
Coding change: c.212A>G on transcript NM_000541.5 (MANE Select); coding-DNA position 212, A replaced by G.
Protein change: p.Tyr71Cys; replaces tyrosine 71 with cysteine.
Molecular consequence: missense variant.
Genome position (GRCh38, 1-based): chr2:233,320,660, A>G. VCF-style: chr2-233320660-A-G. GRCh37 (hg19) VCF-style: chr2-234229306-A-G.
Other names: short protein forms Y71C.
Identifiers: ClinVar variation 962819 (VCV000962819.12), dbSNP rs1700350763, ClinGen allele CA351046156.
Genomic context (GRCh38, chr2:233,320,660, plus strand): 5'-AGTCCGACCCTGCCTTCATCTCCCTTGCAGTGTATGTCACTCTGACCTGCGCCTTCCGCT[A>G]TGGCCAAGAGGACATTGACGTGATCGGCTTGACCTTCCGCAGGGACCTGTACTTCTCCCG-3'
Protein context (NP_000532.2, residues 61-81): VYVTLTCAFR[Tyr71Cys]GQEDIDVIGL